The following is an entry in ClinVar:

NM_001164688.2(RD3):c.283C>T (p.Pro95Ser)

Gene: RD3 (RD3 regulator of GUCY2D; minus strand). Cytogenetic location: 1q32.3.
Variant type: single nucleotide variant.
Coding change: c.283C>T on transcript NM_001164688.2 (MANE Select); coding-DNA position 283, C replaced by T.
Protein change: p.Pro95Ser; replaces proline 95 with serine.
Molecular consequence: missense variant.
Genome position (GRCh38, 1-based): chr1:211,481,133, G>A on the plus strand (C>T on the coding strand, the complement: RD3 is on the minus strand). VCF-style: chr1-211481133-G-A. GRCh37 (hg19) VCF-style: chr1-211654475-G-A.
Other names: c.283C>T, p.Pro95Ser (NM_183059.3); short protein forms P95S.
Identifiers: ClinVar variation 838670 (VCV000838670.9), dbSNP rs759162527, ClinGen allele CA1381111.

ClinVar aggregate classification (germline): Uncertain significance (1 of 4 stars; one submission).

Conditions:
Leber congenital amaurosis 12 (LCA12). Identifiers: Orphanet 65, MedGen C1857743, MONDO:0012525, OMIM 610612.

Allele frequency attached by ClinVar (database versions not stated): TOPMed below 0.00001; ExAC 0.00002; gnomAD exomes 0.00002.
gnomAD v4.1: 12 of 1,614,222 alleles (0.00074%); highest among the groups gnomAD compares: East Asian, 0.022%; no homozygotes.

Submission:

Labcorp Genetics (formerly Invitae), Labcorp
Classification: Uncertain significance for Leber congenital amaurosis 12. Last evaluated: 2019-11-20. Review status: criteria provided, single submitter. Criteria: Invitae Variant Classification Sherloc (09022015). Collection method: clinical testing. Allele origin: germline.
Comment: In summary, the available evidence is currently insufficient to determine the role of this variant in disease. Therefore, it has been classified as a Variant of Uncertain Significance. Algorithms developed to predict the effect of missense changes on protein structure and function (SIFT, PolyPhen-2, Align-GVGD) all suggest that this variant is likely to be tolerated, but these predictions have not been confirmed by published functional studies and their clinical significance is uncertain. This variant has not been reported in the literature in individuals with RD3-related conditions. This variant is present in population databases (rs759162527, ExAC 0.02%). This sequence change replaces proline with serine at codon 95 of the RD3 protein (p.Pro95Ser). The proline residue is highly conserved and there is a moderate physicochemical difference between proline and serine.